The following is an entry in ClinVar:

NM_001482.3(GATM):c.978+4A>G

Gene: GATM (glycine amidinotransferase; minus strand). Cytogenetic location: 15q21.1.
Variant type: single nucleotide variant.
Coding change: c.978+4A>G on transcript NM_001482.3 (MANE Select); 4 bases into the intron after coding-DNA position 978, A replaced by G.
Molecular consequence: intron variant.
Genome position (GRCh38, 1-based): chr15:45,366,042, T>C on the plus strand (A>G on the coding strand, the complement: GATM is on the minus strand). VCF-style: chr15-45366042-T-C. GRCh37 (hg19) VCF-style: chr15-45658240-T-C.
Other names: c.591+4A>G (NM_001321015.2).
Identifiers: ClinVar variation 1056941 (VCV001056941.7), dbSNP rs370363696, ClinGen allele CA7542825.

ClinVar aggregate classification (germline): Uncertain significance (1 of 4 stars; one submission).

Conditions:
Arginine:glycine amidinotransferase deficiency (CCDS3). Also called: AGAT deficiency; Cerebral creatine deficiency syndrome 3; L-Arginine:Glycine Amidinotransferase Deficiency; Creatine deficiency syndrome due to AGAT deficiency; GATM deficiency; L-Arginine:Glycine Amidinotransferase (AGAT) Deficiency. Identifiers: Orphanet 35704, MedGen C2675179, MONDO:0012996, OMIM 612718.

Allele frequency attached by ClinVar (database versions not stated): gnomAD exomes below 0.00001; ExAC 0.00001; ESP Exome Variant Server 0.00008.
gnomAD v4.1: 1 of 1,613,912 alleles (0.000062%); highest among the groups gnomAD compares: African/African-American, 0.0013%; no homozygotes.

Submission:

Labcorp Genetics (formerly Invitae), Labcorp
Classification: Uncertain significance for Arginine:glycine amidinotransferase deficiency. Last evaluated: 2024-03-16. Review status: criteria provided, single submitter. Criteria: Invitae Variant Classification Sherloc (09022015). Collection method: clinical testing. Allele origin: germline.
Comment: This sequence change falls in intron 6 of the GATM gene. It does not directly change the encoded amino acid sequence of the GATM protein. It affects a nucleotide within the consensus splice site. This variant is not present in population databases (gnomAD no frequency). This variant has not been reported in the literature in individuals affected with GATM-related conditions. ClinVar contains an entry for this variant (Variation ID: 1056941). Variants that disrupt the consensus splice site are a relatively common cause of aberrant splicing (PMID: 17576681, 9536098). Algorithms developed to predict the effect of sequence changes on RNA splicing suggest that this variant is not likely to affect RNA splicing. In summary, the available evidence is currently insufficient to determine the role of this variant in disease. Therefore, it has been classified as a Variant of Uncertain Significance.

Literature cited by the submitters: PubMed 17576681; PubMed 9536098.